The following is an entry in ClinVar:

NM_000535.7(PMS2):c.2421del (p.Phe807fs)

Gene: PMS2 (PMS1 homolog 2, mismatch repair system component; minus strand). Cytogenetic location: 7p22.1.
Variant type: Deletion.
Coding change: c.2421del on transcript NM_000535.7 (MANE Select); coding-DNA position 2421, one base deleted (T; older notation c.2421delT).
Protein change: p.Phe807fs; shifts the reading frame from phenylalanine 807.
Molecular consequence: frameshift variant. On other transcripts: non-coding transcript variant (1).
Genome position (GRCh38, 1-based): chr7:5,977,612, A deleted on the plus strand (T on the coding strand, the reverse complement: PMS2 is on the minus strand); the first of 3 consecutive A bases (chr7:5,977,612-5,977,614); deleting any one gives the same sequence. VCF-style (leftmost placement, unchanged base first): chr7-5977611-CA-C. GRCh37 (hg19) VCF-style: chr7-6017242-CA-C.
Other names: c.2016del, p.Phe672fs (NM_001406892.1, NM_001406893.1, NM_001406894.1 and 11 more transcripts); c.1908del, p.Phe636fs (NM_001406904.1, NM_001406905.1); c.1947del, p.Phe649fs (NM_001406902.1, NM_001406901.1); c.1956del, p.Phe652fs (NM_001406900.1); c.1935del, p.Phe645fs (NM_001406903.1); c.2014delT, p.Phe672Leufs (NM_001018040.1); c.2265del, p.Phe755fs (NM_001322006.2); c.2103del, p.Phe701fs (NM_001322007.2, NM_001322008.2, NM_001406883.1); and 21 more; short protein forms F496fs, F550fs, F620fs, F701fs, F741fs, F759fs, F771fs, F807fs.
Identifiers: ClinVar variation 2774120 (VCV002774120.2), dbSNP rs2535311207, ClinGen allele CA2697553818.

ClinVar aggregate classification (germline): Likely pathogenic (1 of 4 stars; one submission).

Conditions:
Hereditary cancer-predisposing syndrome. Also called: Hereditary neoplastic syndrome; Hereditary Cancer Syndrome; Neoplastic Syndromes, Hereditary; Tumor predisposition. Identifiers: Orphanet 140162, MedGen C0027672, MeSH D009386, MONDO:0015356.

Submission:

Color Diagnostics, LLC DBA Color Health
Classification: Likely pathogenic for Hereditary cancer-predisposing syndrome. Last evaluated: 2025-02-19. Review status: criteria provided, single submitter. Criteria: ACMG Guidelines, 2015. Collection method: clinical testing. Allele origin: germline.
Comment: This variant deletes 1 nucleotide in exon 14 of the PMS2 gene, creating a frameshift at codon 807 and a premature translation stop signal. This variant is predicted to escape nonsense-mediated decay and be expressed as a truncated protein. Although functional studies have not been reported, a truncated C-terminal polypeptide (lacking a.a. 826-850) has previously been shown to lack binding to MLH1 (PMID: 10037723) and single missense mutations in downstream codons 843, 845 and 847 have been shown to disrupt DNA mismatch repair in vitro (PMID: 18619468). In addition, truncating variants occurring downstream of this variant are known to be disease-causing (ClinVar variation ID: 141280, 183718, 265586, 423571). To our knowledge, this variant has not been reported in individuals affected with PMS2-related disorders in the literature. This variant has not been identified in the general population by the Genome Aggregation Database (gnomAD). Loss of PMS2 function is a known mechanism of disease. Based on the available evidence, this variant is classified as Likely Pathogenic.

Literature cited by the submitters: PubMed 10037723; PubMed 18619468.